The following is an entry in ClinVar:

ClinVar aggregate classification (germline): Likely benign. Review status: criteria provided, multiple submitters, no conflicts (2 of 4 stars). 6 submissions from 5 submitters: Likely benign (6). Last evaluated 2024-05-08.

Conditions:
Aortic valve disease 1 (AOVD1). Identifiers: MedGen C3887892, MONDO:0024523, OMIM 109730.
Adams-Oliver syndrome 5 (AOS5). Identifiers: Orphanet 974, MedGen C4014970, MONDO:0014459, OMIM 616028.
Familial thoracic aortic aneurysm and aortic dissection (TAAD). Also called: Thoracic aortic aneurysms and dissections. Identifiers: Orphanet 91387, MedGen C4707243, MONDO:0019625.

Allele frequency attached by ClinVar (database versions not stated): gnomAD 0.00001; gnomAD exomes 0.00001 and 0.00003; TOPMed 0.00003; ExAC 0.00004.
gnomAD v4.1: 12 of 1,592,206 alleles (0.00075%); highest among the groups gnomAD compares: Admixed American, 0.016%; no homozygotes.

Submissions (6):

Labcorp Genetics (formerly Invitae), Labcorp
Classification: Likely benign for Adams-Oliver syndrome 5. Last evaluated: 2024-05-08. Review status: criteria provided, single submitter. Criteria: Invitae Variant Classification Sherloc (09022015). Collection method: clinical testing. Allele origin: germline.

Genome-Nilou Lab
Classification: Likely benign for Adams-Oliver syndrome 5. Last evaluated: 2022-03-15. Review status: criteria provided, single submitter. Criteria: ACMG Guidelines, 2015. Collection method: clinical testing. Allele origin: germline. Affected: no.

Genome-Nilou Lab
Classification: Likely benign for Aortic valve disease 1. Last evaluated: 2022-03-15. Review status: criteria provided, single submitter. Criteria: ACMG Guidelines, 2015. Collection method: clinical testing. Allele origin: germline. Affected: no.

GeneDx
Classification: Likely benign. Last evaluated: 2018-05-09. Review status: criteria provided, single submitter. Criteria: GeneDx Variant Classification (06012015). Collection method: clinical testing. Allele origin: germline. Affected: yes.
Comment: This variant is considered likely benign or benign based on one or more of the following criteria: it is a conservative change, it occurs at a poorly conserved position in the protein, it is predicted to be benign by multiple in silico algorithms, and/or has population frequency not consistent with disease.

Ambry Genetics
Classification: Likely benign for Familial thoracic aortic aneurysm and aortic dissection. Last evaluated: 2017-01-03. Review status: criteria provided, single submitter. Criteria: Ambry Variant Classification Scheme 2023. Collection method: clinical testing. Allele origin: germline.

Breakthrough Genomics
Classification: Likely benign. Review status: criteria provided, single submitter. Criteria: ACMG Guidelines, 2015. Collection method: not provided. Allele origin: germline. Inheritance: Autosomal dominant inheritance. Affected: yes.

NM_017617.5(NOTCH1):c.4710G>A (p.Ala1570=)

Gene: NOTCH1 (notch receptor 1; minus strand). Cytogenetic location: 9q34.3.
Variant type: single nucleotide variant.
Coding change: c.4710G>A on transcript NM_017617.5 (MANE Select); coding-DNA position 4710, G replaced by A.
Protein change: p.Ala1570=; no amino-acid change (alanine 1570 retained).
Molecular consequence: synonymous variant.
Genome position (GRCh38, 1-based): chr9:136,504,981, C>T on the plus strand (G>A on the coding strand, the complement: NOTCH1 is on the minus strand). VCF-style: chr9-136504981-C-T. GRCh37 (hg19) VCF-style: chr9-139399433-C-T.
Other names: c.4710G>A, p.Ala1570= (LRG_1122t1).
Identifiers: ClinVar variation 477932 (VCV000477932.19), dbSNP rs773978978, ClinGen allele CA5340530.